The following is an entry in ClinVar:

ClinVar aggregate classification (germline): Likely benign (1 of 4 stars; one submission).

gnomAD v4.1: 2 of 1,613,386 alleles (0.00012%); highest among the groups gnomAD compares: Non-Finnish European, 0.00017%; no homozygotes.

Submission:

CeGaT Center for Human Genetics Tuebingen
Classification: Likely benign. Last evaluated: 2025-10-01. Review status: criteria provided, single submitter. Criteria: CeGaT Center For Human Genetics Tuebingen Variant Classification Criteria Version 2. Collection method: clinical testing. Allele origin: germline. Affected: yes. Observed: 1 variant allele.
Comment: TAF4: BP4, BP7

NM_003185.4(TAF4):c.1509C>T (p.Ile503=)

Gene: TAF4 (TATA-box binding protein associated factor 4; minus strand). Cytogenetic location: 20q13.33.
Variant type: single nucleotide variant.
Coding change: c.1509C>T on transcript NM_003185.4 (MANE Select); coding-DNA position 1509, C replaced by T.
Protein change: p.Ile503=; no amino-acid change (isoleucine 503 retained).
Molecular consequence: synonymous variant.
Genome position (GRCh38, 1-based): chr20:62,014,559, G>A on the plus strand (C>T on the coding strand, the complement: TAF4 is on the minus strand). VCF-style: chr20-62014559-G-A. GRCh37 (hg19) VCF-style: chr20-60589615-G-A.
Identifiers: ClinVar variation 4535080 (VCV004535080.6).
Genomic context (GRCh38, chr20:62,014,559, plus strand): 5'-GGGCTGGGCAGGGAAGGGGTTCGCACTCCAGGGCACACGTGCACTCACCTGTACGGTGGA[G>A]ATCTGGACGGGAGGGGCACTTGTGGGGGTGGCAGGGCGAGGCGCCATGGTGGTCTGAGGC-3'
Protein context (NP_003176.2, residues 493-513): ATPTSAPPVQ[Ile503=]STVQAPGTPI